The following is an entry in ClinVar:

ClinVar aggregate classification (germline): Uncertain significance (1 of 4 stars; one submission).

Submission:

Labcorp Genetics (formerly Invitae), Labcorp
Classification: Uncertain significance. Last evaluated: 2023-11-06. Review status: criteria provided, single submitter. Criteria: Invitae Variant Classification Sherloc (09022015). Collection method: clinical testing. Allele origin: germline.
Comment: This sequence change replaces phenylalanine, which is neutral and non-polar, with leucine, which is neutral and non-polar, at codon 44 of the IL6ST protein (p.Phe44Leu). This variant is present in population databases (no rsID available, gnomAD 0.0009%). This variant has not been reported in the literature in individuals affected with IL6ST-related conditions. An algorithm developed to predict the effect of missense changes on protein structure and function (PolyPhen-2) suggests that this variant is likely to be disruptive. In summary, the available evidence is currently insufficient to determine the role of this variant in disease. Therefore, it has been classified as a Variant of Uncertain Significance.

NM_002184.4(IL6ST):c.132C>G (p.Phe44Leu)

Gene: IL6ST (interleukin 6 cytokine family signal transducer; minus strand). Cytogenetic location: 5q11.2.
Variant type: single nucleotide variant.
Coding change: c.132C>G on transcript NM_002184.4 (MANE Select); coding-DNA position 132, C replaced by G.
Protein change: p.Phe44Leu; replaces phenylalanine 44 with leucine.
Molecular consequence: missense variant. On other transcripts: 5 prime UTR variant (3), non-coding transcript variant (2).
Genome position (GRCh38, 1-based): chr5:55,969,788, G>C on the plus strand (C>G on the coding strand, the complement: IL6ST is on the minus strand). VCF-style: chr5-55969788-G-C. GRCh37 (hg19) VCF-style: chr5-55265616-G-C.
Other names: c.132C>G, p.Phe44Leu (NM_001190981.2, NM_001364275.2, NM_001364276.2 and 1 more transcripts); c.-661C>G (NM_001364277.2, NM_001364279.2); c.-651C>G (NM_001364278.2); short protein forms F44L.
Identifiers: ClinVar variation 2990671 (VCV002990671.3), dbSNP rs1462275506, ClinGen allele CA359770882.